The following is an entry in ClinVar:

NM_000092.5(COL4A4):c.3214+6G>A

Gene: COL4A4 (collagen type IV alpha 4 chain; minus strand). Cytogenetic location: 2q36.3.
Variant type: single nucleotide variant.
Coding change: c.3214+6G>A on transcript NM_000092.5 (MANE Select); 6 bases into the intron after coding-DNA position 3214, G replaced by A.
Molecular consequence: intron variant.
Genome position (GRCh38, 1-based): chr2:227,050,062, C>T on the plus strand (G>A on the coding strand, the complement: COL4A4 is on the minus strand). VCF-style: chr2-227050062-C-T. GRCh37 (hg19) VCF-style: chr2-227914778-C-T.
Identifiers: ClinVar variation 1338953 (VCV001338953.6), dbSNP rs372554120, ClinGen allele CA2144606.
Genomic context (GRCh38, chr2:227,050,062, plus strand): 5'-TTTACAATGTTATAAACATTCGGGACTATGCATTTGACAGATGGCTTCTGTATCTCCAAA[C>T]CATACCTTTAGGTCCTCTTGCTCCATCAATTCCTGAAAATCCAGGGGGACCTGGAGAACC-3'

ClinVar aggregate classification (germline): Conflicting classifications of pathogenicity. Review status: criteria provided, conflicting classifications (1 of 4 stars). 3 submissions from 3 submitters: Uncertain significance (1); Likely benign (2). Last evaluated 2024-12-02.

Allele frequency attached by ClinVar (database versions not stated): gnomAD 0.00001 and 0.00002; ExAC 0.00002; gnomAD exomes 0.00002 and 0.00003; TOPMed 0.00004; ESP Exome Variant Server 0.00008.
gnomAD v4.1: 41 of 1,613,800 alleles (0.0025%); highest among the groups gnomAD compares: Non-Finnish European, 0.0034%; no homozygotes.

Submissions (3):

Labcorp Genetics (formerly Invitae), Labcorp
Classification: Uncertain significance. Last evaluated: 2024-12-02. Review status: criteria provided, single submitter. Criteria: Invitae Variant Classification Sherloc (09022015). Collection method: clinical testing. Allele origin: germline.
Comment: This sequence change falls in intron 34 of the COL4A4 gene. It does not directly change the encoded amino acid sequence of the COL4A4 protein. It affects a nucleotide within the consensus splice site. This variant is present in population databases (rs372554120, gnomAD 0.005%). This variant has not been reported in the literature in individuals affected with COL4A4-related conditions. ClinVar contains an entry for this variant (Variation ID: 1338953). Variants that disrupt the consensus splice site are a relatively common cause of aberrant splicing (PMID: 17576681, 9536098). Algorithms developed to predict the effect of sequence changes on RNA splicing suggest that this variant is not likely to affect RNA splicing. In summary, the available evidence is currently insufficient to determine the role of this variant in disease. Therefore, it has been classified as a Variant of Uncertain Significance.

Blueprint Genetics
Classification: Likely benign. Last evaluated: 2024-10-30. Review status: criteria provided, single submitter. Criteria: ACMG Guidelines, 2015. Collection method: clinical testing. Allele origin: germline.

GeneDx
Classification: Likely benign. Last evaluated: 2021-06-08. Review status: criteria provided, single submitter. Criteria: GeneDx Variant Classification Process June 2021. Collection method: clinical testing. Allele origin: germline. Affected: yes.

Literature cited by the submitters: PubMed 17576681 (cited by Labcorp Genetics (formerly Invitae), Labcorp); PubMed 9536098 (cited by Labcorp Genetics (formerly Invitae), Labcorp).